The following is an entry in ClinVar:

NM_022552.5(DNMT3A):c.1609T>A (p.Cys537Ser)

Gene: DNMT3A (DNA methyltransferase 3 alpha; minus strand). Cytogenetic location: 2p23.3.
Variant type: single nucleotide variant.
Coding change: c.1609T>A on transcript NM_022552.5 (MANE Select); coding-DNA position 1609, T replaced by A.
Protein change: p.Cys537Ser; replaces cysteine 537 with serine.
Molecular consequence: missense variant. On other transcripts: non-coding transcript variant (1).
Genome position (GRCh38, 1-based): chr2:25,244,598, A>T on the plus strand (T>A on the coding strand, the complement: DNMT3A is on the minus strand). VCF-style: chr2-25244598-A-T. GRCh37 (hg19) VCF-style: chr2-25467467-A-T.
Other names: c.1153T>A, p.Cys385Ser (NM_001320893.1); c.940T>A, p.Cys314Ser (NM_001375819.1); c.1042T>A, p.Cys348Ser (NM_153759.3); c.1609T>A, p.Cys537Ser (NM_175629.2); short protein forms C314S, C348S, C385S, C537S.
Identifiers: ClinVar variation 4530098 (VCV004530098.1).
Genomic context (GRCh38, chr2:25,244,598, plus strand): 5'-ACCTGCAGCAGTTGTTGTTTCCGCACATGAGCACCTCACGGCCCCCACAGCAGATGGTGC[A>T]GTAGGACTGGTAGCCGTCGTCGTCGTACTGGTACGCACACTCCAGAAAGCAGTTCTAGAC-3'
Protein context (NP_072046.2, residues 527-547): QYDDDGYQSY[Cys537Ser]TICCGGREVL

ClinVar aggregate classification (somatic clinical impact): Tier II - Potential (1 of 4 stars; one submission).

Conditions:
Medulloblastoma non-WNT/non-SHH group 4. Identifiers: MedGen C4330666, MONDO:0956967.

gnomAD v4.1: 3 of 1,614,212 alleles (0.00019%); highest among the groups gnomAD compares: Non-Finnish European, 0.00017%; no homozygotes.

Submission:

Institute for Genomic Medicine (IGM) Clinical Laboratory, Nationwide Children's Hospital
Classification: Tier II - Potential for Medulloblastoma non-WNT/non-SHH group 4. Assertion type: diagnostic. Clinical significance: supports diagnosis. Last evaluated: 2025-01-10. Review status: criteria provided, single submitter. Criteria: AMP/ASCO/CAP Guidelines, 2017. Collection method: clinical testing. Allele origin: somatic. Affected: yes.
Comment: Variant has Tier II (potential) clinical significance as a diagnostic inclusion criterion in medulloblastoma non-WNT/non-SHH group 4, based on the following evidence: 1) Documented in one or more cancer databases (e.g., St. Jude Pecan, COSMIC, CIViC, OncoKB). 2) Information in the literature supports potential biologic effect of variant (PMID: 34429321). 3) Assists in diagnosis alone or along with other biomarkers based on small studies or few case reports (Evidence Level D; PMIDs: 27543768, 34429321).

Literature cited by the submitters: PubMed 34429321; PubMed 27543768.